The following is an entry in ClinVar:

NM_000431.4(MVK):c.728C>A (p.Thr243Asn)

Gene: MVK (mevalonate kinase; plus strand). Cytogenetic location: 12q24.11.
Variant type: single nucleotide variant.
Coding change: c.728C>A on transcript NM_000431.4 (MANE Select); coding-DNA position 728, C replaced by A.
Protein change: p.Thr243Asn; replaces threonine 243 with asparagine.
Molecular consequence: missense variant. On other transcripts: non-coding transcript variant (3).
Genome position (GRCh38, 1-based): chr12:109,590,821, C>A. VCF-style: chr12-109590821-C-A. GRCh37 (hg19) VCF-style: chr12-110028626-C-A.
Other names: c.728C>A, p.Thr243Asn (NM_001114185.3, NM_001414511.1, NM_001414513.1); c.572C>A, p.Thr191Asn (NM_001301182.2, NM_001414514.1); c.803C>A, p.Thr268Asn (NM_001414512.1); c.146C>A, p.Thr49Asn (NM_001414515.1); short protein forms T243N, T268N, T191N, T49N.
Identifiers: ClinVar variation 4783713 (VCV004783713.1).

ClinVar aggregate classification (germline): Uncertain significance (1 of 4 stars; one submission).

Conditions:
Mevalonic aciduria (MEVA). Identifiers: Orphanet 29, MedGen C1959626, MONDO:0012481, OMIM 610377.
Porokeratosis 3, disseminated superficial actinic type (POROK3). Also called: POROKERATOSIS, DISSEMINATED SUPERFICIAL ACTINIC, 1; POROKERATOSIS 3, MIBELLI TYPE; POROKERATOSIS 3, MULTIPLE TYPES. Identifiers: MedGen C1867981, MONDO:0008293, OMIM 175900.
Hyperimmunoglobulin D with periodic fever (HIDS). Also called: HYPERIMMUNOGLOBULINEMIA D AND PERIODIC FEVER SYNDROME; Hyperimmunoglobulinemia D; Hyperimmunoglobulinemia D with periodic fever. Identifiers: Orphanet 343, MedGen C0398691, MONDO:0009849, OMIM 260920.

Submission:

Labcorp Genetics (formerly Invitae), Labcorp
Classification: Uncertain significance for Mevalonic aciduria; Hyperimmunoglobulin D with periodic fever; Porokeratosis 3, disseminated superficial actinic type. Last evaluated: 2025-04-01. Review status: criteria provided, single submitter. Criteria: Invitae Variant Classification Sherloc (09022015). Collection method: clinical testing. Allele origin: germline.
Comment: This sequence change replaces threonine, which is neutral and polar, with asparagine, which is neutral and polar, at codon 243 of the MVK protein (p.Thr243Asn). This variant is not present in population databases (gnomAD no frequency). This variant has not been reported in the literature in individuals affected with MVK-related conditions. Invitae Evidence Modeling of protein sequence and biophysical properties (such as structural, functional, and spatial information, amino acid conservation, physicochemical variation, residue mobility, and thermodynamic stability) indicates that this missense variant is expected to disrupt MVK protein function with a positive predictive value of 95%. In summary, the available evidence is currently insufficient to determine the role of this variant in disease. Therefore, it has been classified as a Variant of Uncertain Significance.